The following is an entry in ClinVar:

ClinVar aggregate classification (germline): Uncertain significance (1 of 4 stars; one submission).

Conditions:
Hyperphosphatasia with impaired intellectual development syndrome 2. Also called: Hyperphosphatasia with intellectual disability syndrome 2; GLYCOSYLPHOSPHATIDYLINOSITOL BIOSYNTHESIS DEFECT 6. Identifiers: Orphanet 247262, MedGen C3553637, MONDO:0013882, OMIM 614749.

Allele frequency attached by ClinVar (database versions not stated): gnomAD exomes below 0.00001; ExAC 0.00001.
gnomAD v4.1: 2 of 1,614,184 alleles (0.00012%); highest among the groups gnomAD compares: African/African-American, 0.0027%; no homozygotes.

Submission:

Labcorp Genetics (formerly Invitae), Labcorp
Classification: Uncertain significance for Hyperphosphatasia with impaired intellectual development syndrome 2. Last evaluated: 2023-08-17. Review status: criteria provided, single submitter. Criteria: Invitae Variant Classification Sherloc (09022015). Collection method: clinical testing. Allele origin: germline.
Comment: This variant is present in population databases (rs770347138, gnomAD 0.01%). In summary, the available evidence is currently insufficient to determine the role of this variant in disease. Therefore, it has been classified as a Variant of Uncertain Significance. Advanced modeling of protein sequence and biophysical properties (such as structural, functional, and spatial information, amino acid conservation, physicochemical variation, residue mobility, and thermodynamic stability) performed at Invitae indicates that this missense variant is expected to disrupt PIGO protein function. ClinVar contains an entry for this variant (Variation ID: 2122539). This variant has not been reported in the literature in individuals affected with PIGO-related conditions. This sequence change replaces phenylalanine, which is neutral and non-polar, with valine, which is neutral and non-polar, at codon 82 of the PIGO protein (p.Phe82Val).

NM_032634.4(PIGO):c.244T>G (p.Phe82Val)

Gene: PIGO (phosphatidylinositol glycan anchor biosynthesis class O; minus strand). Cytogenetic location: 9p13.3.
Variant type: single nucleotide variant.
Coding change: c.244T>G on transcript NM_032634.4 (MANE Select); coding-DNA position 244, T replaced by G.
Protein change: p.Phe82Val; replaces phenylalanine 82 with valine.
Molecular consequence: missense variant.
Genome position (GRCh38, 1-based): chr9:35,095,322, A>C on the plus strand (T>G on the coding strand, the complement: PIGO is on the minus strand). VCF-style: chr9-35095322-A-C. GRCh37 (hg19) VCF-style: chr9-35095319-A-C.
Other names: c.244T>G, p.Phe82Val (NM_001201484.2, NM_152850.4); short protein forms F82V.
Identifiers: ClinVar variation 2122539 (VCV002122539.4), dbSNP rs770347138, ClinGen allele CA5040988.
Genomic context (GRCh38, chr9:35,095,322, plus strand): 5'-CCAGGAAGGGTAGGGAGACAGGAGGCTCTCTAGGCACGTGTGAATGCTGGGGCTGGGCGA[A>C]GTCAAATCGCAGAGCATCTATCAGCACCAACACAACCCGCGAAAATCGGGAAGCCATCCA-3'
Protein context (NP_116023.2, residues 72-92): LVLIDALRFD[Phe82Val]AQPQHSHVPR